The following is an entry in ClinVar:

ClinVar aggregate classification (germline): Likely benign. Review status: criteria provided, multiple submitters, no conflicts (2 of 4 stars). 2 submissions from 2 submitters: Likely benign (2). Last evaluated 2025-08-15.

Conditions:
ADGRV1-related disorder. Also called: ADGRV1-related condition; ADGRV1-related disorders.

Allele frequency attached by ClinVar (database versions not stated): gnomAD exomes below 0.00001 and 0.00001; ExAC 0.00002; ESP Exome Variant Server 0.00008; TOPMed 0.00008.
gnomAD v4.1: 12 of 1,613,548 alleles (0.00074%); highest among the groups gnomAD compares: African/African-American, 0.016%; no homozygotes.

Submissions (2):

Labcorp Genetics (formerly Invitae), Labcorp
Classification: Likely benign. Last evaluated: 2025-08-15. Review status: criteria provided, single submitter. Criteria: Invitae Variant Classification Sherloc (09022015). Collection method: clinical testing. Allele origin: germline.

PreventionGenetics, part of Exact Sciences
Classification: Likely benign for ADGRV1-related condition. Last evaluated: 2025-05-06. Review status: criteria provided, single submitter. Criteria: ACMG Guidelines, 2015. Collection method: clinical testing. Allele origin: germline.
Comment: This variant is classified as likely benign based on ACMG/AMP sequence variant interpretation guidelines (Richards et al. 2015 PMID: 25741868, with internal and published modifications).

NM_032119.4(ADGRV1):c.10650T>C (p.Asp3550=)

Gene: ADGRV1 (adhesion G protein-coupled receptor V1; plus strand). Cytogenetic location: 5q14.3.
Variant type: single nucleotide variant.
Coding change: c.10650T>C on transcript NM_032119.4 (MANE Select); coding-DNA position 10650, T replaced by C.
Protein change: p.Asp3550=; no amino-acid change (aspartic acid 3550 retained).
Molecular consequence: synonymous variant. On other transcripts: non-coding transcript variant (1).
Genome position (GRCh38, 1-based): chr5:90,745,146, T>C. VCF-style: chr5-90745146-T-C. GRCh37 (hg19) VCF-style: chr5-90040963-T-C.
Other names: c.10650T>C (NM_032119.3).
Identifiers: ClinVar variation 1097121 (VCV001097121.10), dbSNP rs368630118, ClinGen allele CA3340804.